The following is an entry in ClinVar:

NM_016592.5(GNAS):c.73G>A (p.Gly25Ser)

Genes: GNAS (GNAS complex locus; plus strand), GNAS-AS1 (GNAS antisense RNA 1; minus strand). Cytogenetic location: 20q13.32.
Variant type: single nucleotide variant.
Coding change: c.73G>A on transcript NM_016592.5 (MANE Plus Clinical); coding-DNA position 73, G replaced by A.
Protein change: p.Gly25Ser; replaces glycine 25 with serine.
Molecular consequence: missense variant. On other transcripts: 5 prime UTR variant (1).
Genome position (GRCh38, 1-based): chr20:58,840,179, G>A. VCF-style: chr20-58840179-G-A. GRCh37 (hg19) VCF-style: chr20-57415234-G-A.
Other names: c.-665G>A (NM_001410912.1); short protein forms G25S.
Identifiers: ClinVar variation 3352052 (VCV003352052.2).

ClinVar aggregate classification (germline): Uncertain significance (1 of 4 stars; one submission).

Conditions:
GNAS-related disorder. Identifiers: MedGen CN380105.

gnomAD v4.1: 2 of 1,611,480 alleles (0.00012%); highest among the groups gnomAD compares: Admixed American, 0.0033%; no homozygotes.

Submission:

PreventionGenetics, part of Exact Sciences
Classification: Uncertain significance for GNAS-related condition. Last evaluated: 2026-05-19. Review status: criteria provided, single submitter. Criteria: ACMG Guidelines, 2015. Collection method: clinical testing. Allele origin: germline.
Comment: The GNAS c.73G>A variant is predicted to result in the amino acid substitution p.Gly25Ser. Of note, this variant can also be referred to as c.-51548G>A (pre-coding) in the more commonly reported isoform NM_000516. To our knowledge, this variant has not been reported in the literature. This variant is reported in 0.0058% of alleles in individuals of Latino descent in gnomAD. At this time, the clinical significance of this variant is uncertain due to the absence of conclusive functional and genetic evidence.